The following is an entry in ClinVar:

NM_001142864.4(PIEZO1):c.5799C>T (p.Ser1933=)

Gene: PIEZO1 (piezo type mechanosensitive ion channel component 1 (Er blood group); minus strand). Cytogenetic location: 16q24.3.
Variant type: single nucleotide variant.
Coding change: c.5799C>T on transcript NM_001142864.4 (MANE Select); coding-DNA position 5799, C replaced by T.
Protein change: p.Ser1933=; no amino-acid change (serine 1933 retained).
Molecular consequence: synonymous variant.
Genome position (GRCh38, 1-based): chr16:88,720,618, G>A on the plus strand (C>T on the coding strand, the complement: PIEZO1 is on the minus strand). VCF-style: chr16-88720618-G-A. GRCh37 (hg19) VCF-style: chr16-88787026-G-A.
Identifiers: ClinVar variation 4536058 (VCV004536058.1).

ClinVar aggregate classification (germline): Uncertain significance (1 of 4 stars; one submission).

gnomAD v4.1: 16 of 1,544,978 alleles (0.001%); highest among the groups gnomAD compares: Non-Finnish European, 0.0014%; no homozygotes.

Submission:

Women's Health and Genetics/Laboratory Corporation of America, LabCorp
Classification: Uncertain significance. Last evaluated: 2025-09-23. Review status: criteria provided, single submitter. Criteria: LabCorp Variant Classification Summary - May 2015. Collection method: clinical testing. Allele origin: germline.
Comment: Variant summary: PIEZO1 c.5799C>T (p.Ser1933Ser) alters a non-conserved nucleotide located close to a canonical splice site and therefore could affect mRNA splicing, leading to a significantly altered protein sequence. Consensus agreement among computation tools predict no significant impact on normal splicing. However, these predictions have yet to be confirmed by functional studies. The variant allele was found at a frequency of 1.3e-05 in 148432 control chromosomes (gnomAD). The available data on variant occurrences in the general population are insufficient to allow any conclusion about variant significance. To our knowledge, no occurrence of c.5799C>T in individuals affected with PIEZO1-related conditions and no experimental evidence demonstrating its impact on protein function have been reported. No submitters have cited clinical-significance assessments for this variant to ClinVar. Based on the evidence outlined above, the variant was classified as uncertain significance.